The following is an entry in ClinVar:

ClinVar aggregate classification (germline): Uncertain significance. Review status: criteria provided, multiple submitters, no conflicts (2 of 4 stars). 3 submissions from 3 submitters: Uncertain significance (3). Last evaluated 2025-05-08.

Conditions:
Long QT syndrome (LQTS). Identifiers: MedGen C0023976, MeSH D008133, MONDO:0002442. Disease mechanism: loss of function. Inheritance: Various modes of inheritance.
Long QT syndrome 11 (LQT11). Identifiers: Orphanet 101016, Orphanet 768, MedGen C2678483, MONDO:0012738, OMIM 611820.
Cardiovascular phenotype. Identifiers: MedGen CN230736.

Allele frequency attached by ClinVar (database versions not stated): TOPMed below 0.00001; gnomAD 0.00001; ExAC 0.00003.
gnomAD v4.1: 40 of 1,612,412 alleles (0.0025%); highest among the groups gnomAD compares: African/African-American, 0.004%; no homozygotes.

Submissions (4):

Ambry Genetics
Classification: Uncertain significance for Cardiovascular phenotype. Last evaluated: 2025-05-08. Review status: criteria provided, single submitter. Criteria: Ambry Variant Classification Scheme 2023. Collection method: clinical testing. Allele origin: germline.
Comment: The p.R1880C variant (also known as c.5638C>T), located in coding exon 23 of the AKAP9 gene, results from a C to T substitution at nucleotide position 5638. The arginine at codon 1880 is replaced by cysteine, an amino acid with highly dissimilar properties. This amino acid position is well conserved in available vertebrate species. In addition, this alteration is predicted to be tolerated by in silico analysis. The evidence for this gene-disease relationship is limited; therefore, the clinical significance of this alteration is unclear.

Labcorp Genetics (formerly Invitae), Labcorp
Classification: Uncertain significance for Long QT syndrome. Last evaluated: 2025-02-16. Review status: criteria provided, single submitter. Criteria: Invitae Variant Classification Sherloc (09022015). Collection method: clinical testing. Allele origin: germline.
Comment: This sequence change replaces arginine, which is basic and polar, with cysteine, which is neutral and slightly polar, at codon 1880 of the AKAP9 protein (p.Arg1880Cys). This variant is present in population databases (rs761946454, gnomAD 0.004%). This variant has not been reported in the literature in individuals affected with AKAP9-related conditions. ClinVar contains an entry for this variant (Variation ID: 1414951). An algorithm developed to predict the effect of missense changes on protein structure and function (PolyPhen-2) suggests that this variant is likely to be disruptive. In summary, the available evidence is currently insufficient to determine the role of this variant in disease. Therefore, it has been classified as a Variant of Uncertain Significance.

Fulgent Genetics
Classification: Uncertain significance for Long QT syndrome 11. Last evaluated: 2021-09-11. Review status: criteria provided, single submitter. Criteria: ACMG Guidelines, 2015. Collection method: clinical testing. Allele origin: unknown.

Dr. Peter K. Rogan Lab, Western University
No classification provided (evidence only). Condition: Hepatocellular carcinoma. Review status: no classification provided. Collection method: in vitro. Allele origin: not applicable. Functional consequence: retained intron. Not counted in ClinVar's aggregate classification.

NM_005751.5(AKAP9):c.5638C>T (p.Arg1880Cys)

Gene: AKAP9 (A-kinase anchoring protein 9; plus strand). Cytogenetic location: 7q21.2.
Variant type: single nucleotide variant.
Coding change: c.5638C>T on transcript NM_005751.5 (MANE Select); coding-DNA position 5638, C replaced by T.
Protein change: p.Arg1880Cys; replaces arginine 1880 with cysteine.
Molecular consequence: missense variant.
Genome position (GRCh38, 1-based): chr7:92,061,296, C>T. VCF-style: chr7-92061296-C-T. GRCh37 (hg19) VCF-style: chr7-91690610-C-T.
Other names: c.5638C>T (NM_005751.4); c.283C>T, p.Arg95Cys (NM_001379277.1); c.5638C>T, p.Arg1880Cys (NM_147185.3); short protein forms R1880C, R95C.
Identifiers: ClinVar variation 1414951 (VCV001414951.11), dbSNP rs761946454, ClinGen allele CA4336885.
Genomic context (GRCh38, chr7:92,061,296, plus strand): 5'-TGTATTGTTTCCCTCTTTGTTTAGCTTGAACATGCGAAAGTGACACAGACAGAGTTGATG[C>T]GTGAGTCATTTAGACAGAAACAAGAAGCAACAGAGTCCCTTAAGTGCCAAGAGGAACTTC-3'
Protein context (NP_005742.4, residues 1870-1890): HAKVTQTELM[Arg1880Cys]ESFRQKQEAT